The following is an entry in ClinVar:

NM_000038.6(APC):c.5615T>G (p.Val1872Gly)

Gene: APC (APC regulator of Wnt signaling pathway; plus strand). Cytogenetic location: 5q22.2.
Variant type: single nucleotide variant.
Coding change: c.5615T>G on transcript NM_000038.6 (MANE Select); coding-DNA position 5615, T replaced by G.
Protein change: p.Val1872Gly; replaces valine 1872 with glycine.
Molecular consequence: missense variant.
Genome position (GRCh38, 1-based): chr5:112,841,209, T>G. VCF-style: chr5-112841209-T-G. GRCh37 (hg19) VCF-style: chr5-112176906-T-G.
Other names: c.5615T>G, p.Val1872Gly (NM_001127510.3, NM_001354895.2); c.5561T>G, p.Val1854Gly (NM_001127511.3); c.5669T>G, p.Val1890Gly (NM_001354896.2); c.5645T>G, p.Val1882Gly (NM_001354897.2); c.5540T>G, p.Val1847Gly (NM_001354898.2); c.5531T>G, p.Val1844Gly (NM_001354899.2); c.5492T>G, p.Val1831Gly (NM_001354900.2); c.5438T>G, p.Val1813Gly (NM_001354901.2); and 5 more; short protein forms V1854G, V1872G, V1746G, V1831G, V1847G, V1589G, V1712G, V1771G.
Identifiers: ClinVar variation 482325 (VCV000482325.14), dbSNP rs748389037, ClinGen allele CA16033623.

ClinVar aggregate classification (germline): Uncertain significance. Review status: criteria provided, multiple submitters, no conflicts (2 of 4 stars). 4 submissions from 4 submitters: Uncertain significance (4). Last evaluated 2025-05-09.

Conditions:
Hereditary cancer-predisposing syndrome. Also called: Neoplastic Syndromes, Hereditary; Tumor predisposition; Hereditary Cancer Syndrome; Hereditary neoplastic syndrome. Identifiers: Orphanet 140162, MedGen C0027672, MeSH D009386, MONDO:0015356.
Familial adenomatous polyposis 1 (FAP1). Also called: FAMILIAL ADENOMATOUS POLYPOSIS 1, ATTENUATED; POLYPOSIS, ADENOMATOUS INTESTINAL. Identifiers: MedGen C2713442, MONDO:0021056, OMIM 175100. Disease mechanism: loss of function.
Classic or attenuated familial adenomatous polyposis. Identifiers: MedGen CN372698, MONDO:0021057.

gnomAD v4.1: 1 of 1,613,990 alleles (0.000062%); no homozygotes.

Submissions (4):

Women's Health and Genetics/Laboratory Corporation of America, LabCorp
Classification: Uncertain significance. Last evaluated: 2025-05-09. Review status: criteria provided, single submitter. Criteria: LabCorp Variant Classification Summary - May 2015. Collection method: clinical testing. Allele origin: germline.

Ambry Genetics
Classification: Uncertain significance for Hereditary cancer-predisposing syndrome. Last evaluated: 2024-03-20. Review status: criteria provided, single submitter. Criteria: Ambry Variant Classification Scheme 2023. Collection method: clinical testing. Allele origin: germline.
Comment: The p.V1872G variant (also known as c.5615T>G), located in coding exon 15 of the APC gene, results from a T to G substitution at nucleotide position 5615. The valine at codon 1872 is replaced by glycine, an amino acid with dissimilar properties. This variant was not reported in population based cohorts in the following databases: Database of Single Nucleotide Polymorphisms (dbSNP), NHLBI Exome Sequencing Project (ESP), and 1000 Genomes Project. In the ESP, this variant was not observed in 6502 samples (13004 alleles) with coverage at this position. To date, this alteration has been detected with an allele frequency of approximately 0.001% (greater than 70000 alleles tested) in our clinical cohort. This amino acid position is well conserved in available vertebrate species. In addition, in silico predictors for this gene do not accurately predict pathogenicity. Since supporting evidence is limited at this time, the clinical significance of this alteration remains unclear.

All of Us Research Program, National Institutes of Health
Classification: Uncertain significance for Classic or attenuated familial adenomatous polyposis. Last evaluated: 2024-03-05. Review status: criteria provided, single submitter. Criteria: ACMG Guidelines, 2015. Collection method: clinical testing. Allele origin: germline. Inheritance: Autosomal dominant inheritance. Observed: 1 variant allele, 1 heterozygote.
Comment: This study involves interpretation of variants in research participants for the purpose of population health screening. Participant phenotype was not available at the time of variant classification. Additional details can be found in publication PMID: 35346344, PMCID: PMC8962531

Labcorp Genetics (formerly Invitae), Labcorp
Classification: Uncertain significance for Familial adenomatous polyposis 1. Last evaluated: 2024-01-18. Review status: criteria provided, single submitter. Criteria: Invitae Variant Classification Sherloc (09022015). Collection method: clinical testing. Allele origin: germline.
Comment: This sequence change replaces valine, which is neutral and non-polar, with glycine, which is neutral and non-polar, at codon 1872 of the APC protein (p.Val1872Gly). This variant is not present in population databases (gnomAD no frequency). This variant has not been reported in the literature in individuals affected with APC-related conditions. ClinVar contains an entry for this variant (Variation ID: 482325). Advanced modeling of protein sequence and biophysical properties (such as structural, functional, and spatial information, amino acid conservation, physicochemical variation, residue mobility, and thermodynamic stability) performed at Invitae indicates that this missense variant is not expected to disrupt APC protein function with a negative predictive value of 95%. In summary, the available evidence is currently insufficient to determine the role of this variant in disease. Therefore, it has been classified as a Variant of Uncertain Significance.